The following is an entry in ClinVar:

ClinVar aggregate classification (germline): Benign. Review status: criteria provided, multiple submitters, no conflicts (2 of 4 stars). 9 submissions from 9 submitters: Benign (8). 1 of the submissions does not count toward it. Last evaluated 2026-02-04.

Conditions:
Nemaline myopathy 2 (NEM2). Also called: Nemaline myopathy 2, autosomal recessive. Identifiers: MedGen C1850569, MONDO:0009725, OMIM 256030.

Allele frequency attached by ClinVar (database versions not stated): ESP Exome Variant Server 0.00008; gnomAD 0.00190 and 0.00263; TOPMed 0.00357; gnomAD exomes 0.00620; ExAC 0.00930; 1000 Genomes Project 30x 0.01265; 1000 Genomes Project 0.01378.
gnomAD v4.1: 3,064 of 1,558,288 alleles (0.2%); highest among the groups gnomAD compares: East Asian, 4.3%; 64 homozygotes.

Submissions (9):

Labcorp Genetics (formerly Invitae), Labcorp
Classification: Benign for Nemaline myopathy 2. Last evaluated: 2026-02-04. Review status: criteria provided, single submitter. Criteria: Invitae Variant Classification Sherloc (09022015). Collection method: clinical testing. Allele origin: germline.

Athena Diagnostics
Classification: Benign. Last evaluated: 2025-05-09. Review status: criteria provided, single submitter. Criteria: Athena Diagnostics Criteria. Collection method: clinical testing. Allele origin: unknown.
Comment: The frequency of this variant in the general population is higher than would generally be expected for pathogenic variants in this gene.

Mayo Clinic Laboratories, Mayo Clinic
Classification: Benign. Last evaluated: 2022-11-20. Review status: criteria provided, single submitter. Criteria: ACMG Guidelines, 2015. Collection method: clinical testing. Allele origin: germline. Observed: 4 variant alleles.

Illumina Laboratory Services, Illumina
Classification: Benign for Nemaline myopathy 2. Last evaluated: 2018-01-13. Review status: criteria provided, single submitter. Criteria: ICSL Variant Classification Criteria 13 December 2019. Collection method: clinical testing. Allele origin: germline.
Comment: This variant was observed in the ICSL laboratory as part of a predisposition screen in an ostensibly healthy population. It had not been previously curated by ICSL or reported in the Human Gene Mutation Database (HGMD: prior to June 1st, 2018), and was therefore a candidate for classification through an automated scoring system. Utilizing variant allele frequency, disease prevalence and penetrance estimates, and inheritance mode, an automated score was calculated to assess if this variant is too frequent to cause the disease. Based on the score and internal cut-off values, a variant classified as benign is not then subjected to further curation. The score for this variant resulted in a classification of benign for this disease.

Women's Health and Genetics/Laboratory Corporation of America, LabCorp
Classification: Benign. Last evaluated: 2017-04-24. Review status: criteria provided, single submitter. Criteria: LabCorp Variant Classification Summary - May 2015. Collection method: clinical testing. Allele origin: germline.
Comment: Variant summary: The NEB c.10452+9A>G variant involves the alteration of a non-conserved intronic nucleotide. Mutation taster predicts a benign outcome for this variant. 4/5 splice prediction tools predict no significant impact on normal splicing. However, these predictions have yet to be confirmed by functional studies. This variant was found in 579/62270 control chromosomes (14 homozygotes) from ExAC at a frequency of 0.0092982, which is approximately 3 times the estimated maximal expected allele frequency of a pathogenic NEB variant (0.0035355), suggesting this variant is likely a benign polymorphism. The variant is more common in East Asian sub-population with allele frequency of 8.4% (382/4544 chromosomes). In addition, multiple clinical diagnostic laboratories/reputable databases classified this variant as benign. The variant of interest has not, to our knowledge, been reported in affected individuals via publications and/or reputable databases/clinical diagnostic laboratories, nor evaluated for functional impact by in vivo/vitro studies. Taken together, this variant is classified as benign.

GeneDx
Classification: Benign. Last evaluated: 2016-12-07. Review status: criteria provided, single submitter. Criteria: GeneDx Variant Classification (06012015). Collection method: clinical testing. Allele origin: germline. Affected: yes.
Comment: This variant is considered likely benign or benign based on one or more of the following criteria: it is a conservative change, it occurs at a poorly conserved position in the protein, it is predicted to be benign by multiple in silico algorithms, and/or has population frequency not consistent with disease.

Eurofins Ntd Llc (ga)
Classification: Benign. Last evaluated: 2015-02-13. Review status: criteria provided, single submitter. Criteria: EGL Classification Definitions 2015. Collection method: clinical testing. Allele origin: germline. Observed: 1 variant allele, 1 heterozygote.

PreventionGenetics, part of Exact Sciences
Classification: Benign. Review status: criteria provided, single submitter. Criteria: ACMG Guidelines, 2015. Collection method: clinical testing. Allele origin: germline.

Natera, Inc.
Classification: Benign for Nemaline myopathy type 2. Last evaluated: 2020-09-16. Review status: no assertion criteria provided. Collection method: clinical testing. Allele origin: germline. Not counted in ClinVar's aggregate classification.

NM_001164508.2(NEB):c.10452+9A>G

Gene: NEB (nebulin; minus strand). Cytogenetic location: 2q23.3.
Variant type: single nucleotide variant.
Coding change: c.10452+9A>G on transcript NM_001164508.2 (MANE Select); 9 bases into the intron after coding-DNA position 10452, A replaced by G.
Molecular consequence: intron variant.
Genome position (GRCh38, 1-based): chr2:151,625,525, T>C on the plus strand (A>G on the coding strand, the complement: NEB is on the minus strand). VCF-style: chr2-151625525-T-C. GRCh37 (hg19) VCF-style: chr2-152482039-T-C.
Other names: p.?; c.9723+9A>G (NM_004543.5); c.10452+9A>G (NM_001164507.2, NM_001271208.2).
Identifiers: ClinVar variation 198369 (VCV000198369.25), dbSNP rs117270796, ClinGen allele CA203381.
Genomic context (GRCh38, chr2:151,625,525, plus strand): 5'-AATTCTCACATTCCTACATCGGCAACAATCAATGTGGCCAGACCAAAGAAATAAAACAAA[T>C]GATCTTACCTCACTATAATTTATTTTATTTTGTCTTGCCAACATGATTTCAGGTGTATCA-3'